The following is an entry in ClinVar:

NM_022893.4(BCL11A):c.557T>G (p.Leu186Trp)

Gene: BCL11A (BCL11 transcription factor A; minus strand). Cytogenetic location: 2p16.1.
Variant type: single nucleotide variant.
Coding change: c.557T>G on transcript NM_022893.4 (MANE Select); coding-DNA position 557, T replaced by G.
Protein change: p.Leu186Trp; replaces leucine 186 with tryptophan.
Molecular consequence: missense variant. On other transcripts: non-coding transcript variant (1).
Genome position (GRCh38, 1-based): chr2:60,462,355, A>C on the plus strand (T>G on the coding strand, the complement: BCL11A is on the minus strand). VCF-style: chr2-60462355-A-C. GRCh37 (hg19) VCF-style: chr2-60689490-A-C.
Other names: c.455T>G, p.Leu152Trp (NM_001363864.1, NM_001365609.1, NM_001405711.1 and 3 more transcripts); c.557T>G, p.Leu186Trp (NM_001405708.1, NM_001405709.1, NM_001405710.1 and 4 more transcripts); c.401T>G, p.Leu134Trp (NM_001405713.1, NM_001405714.1, NM_001405715.1 and 6 more transcripts); c.299T>G, p.Leu100Trp (NM_001405717.1, NM_001405718.1, NM_001405724.1 and 1 more transcripts); c.224T>G, p.Leu75Trp (NM_001405720.1, NM_001405721.1); c.101T>G, p.Leu34Trp (NM_001405725.1, NM_001405726.1, NM_001405727.1 and 2 more transcripts); short protein forms L100W, L134W, L152W, L186W, L34W, L75W.
Identifiers: ClinVar variation 2574572 (VCV002574572.2), dbSNP rs2466267348, ClinGen allele CA347039934.

ClinVar aggregate classification (germline): Uncertain significance (1 of 4 stars; one submission).

Conditions:
Dias-Logan syndrome. Also called: INTELLECTUAL DEVELOPMENTAL DISORDER WITH HEREDITARY PERSISTENCE OF FETAL HEMOGLOBIN; Intellectual developmental disorder with persistence of fetal hemoglobin. Identifiers: Orphanet 619233, MedGen C4310833, MONDO:0014914, OMIM 617101.

Submission:

Institute of Human Genetics, University of Goettingen
Classification: Uncertain significance for Dias-Logan syndrome. Last evaluated: 2023-08-01. Review status: criteria provided, single submitter. Criteria: ACMG Guidelines, 2015. Collection method: clinical testing. Allele origin: de novo. Inheritance: Sporadic. Observed: 1 heterozygote.
Comment: The variant c.557T>G (p.(Leu186Trp)) in exon 4 of the BCL11A-gene is not found in the gnomAD database, it affects a highly conserved nucleotide, a highly conserved amino acid within a protein domain and there is a small physicochemical difference between Leu and Trp. ACMG criteria used for classification: PS2_mod, PM2_supp, PP2, PP3.